The following is an entry in ClinVar:

NM_001159699.2(FHL1):c.640C>T (p.Gln214Ter)

Gene: FHL1 (four and a half LIM domains 1; plus strand). Cytogenetic location: Xq26.3.
Variant type: single nucleotide variant.
Coding change: c.640C>T on transcript NM_001159699.2 (MANE Select); coding-DNA position 640, C replaced by T.
Protein change: p.Gln214Ter; replaces glutamine 214 with a stop codon.
Molecular consequence: nonsense. On other transcripts: non-coding transcript variant (1), intron variant (2).
Genome position (GRCh38, 1-based): chrX:136,208,545, C>T. VCF-style: chrX-136208545-C-T. GRCh37 (hg19) VCF-style: chrX-135290704-C-T.
Other names: c.592C>T, p.Gln198Ter (NM_001159700.2, NM_001159702.3, NM_001159704.1 and 8 more transcripts); c.679C>T, p.Gln227Ter (NM_001159701.2); c.501+584C>T (NM_001159703.2); c.549+584C>T (NM_001330659.2); short protein forms Q198*, Q214*, Q227*.
Identifiers: ClinVar variation 804804 (VCV000804804.6), dbSNP rs1603272223, ClinGen allele CA414608896.

ClinVar aggregate classification (germline): Pathogenic/Likely pathogenic. Review status: criteria provided, multiple submitters, no conflicts (2 of 4 stars). 3 submissions from 3 submitters: Pathogenic (2); Likely pathogenic (1). Last evaluated 2022-08-09.

Conditions:
FHL1-related disorder. Also called: FHL1-related condition; FHL1-related disorders.
X-linked myopathy with postural muscle atrophy. Also called: FHL1-Related Emery-Dreifuss Muscular Dystrophy, X-Linked. Identifiers: Orphanet 178461, MedGen C2678055, MONDO:0010401, OMIM 300696.

Allele frequency attached by ClinVar (database versions not stated): gnomAD exomes below 0.00001.
gnomAD v4.1: 2 of 1,211,347 alleles (0.00017%); highest among the groups gnomAD compares: Non-Finnish European, 0.00022%; no homozygotes.

Submissions (3):

Labcorp Genetics (formerly Invitae), Labcorp
Classification: Pathogenic for X-linked myopathy with postural muscle atrophy. Last evaluated: 2022-08-09. Review status: criteria provided, single submitter. Criteria: Invitae Variant Classification Sherloc (09022015). Collection method: clinical testing. Allele origin: germline.
Comment: ClinVar contains an entry for this variant (Variation ID: 804804). For these reasons, this variant has been classified as Pathogenic. This premature translational stop signal has been observed in individual(s) with left ventricular hypertrophy (PMID: 23500067). This variant is not present in population databases (gnomAD no frequency). This sequence change creates a premature translational stop signal (p.Gln198*) in the FHL1 gene. It is expected to result in an absent or disrupted protein product. Loss-of-function variants in FHL1 are known to be pathogenic (PMID: 18179888, 19687455, 19716112, 22523091, 24114807).

Blueprint Genetics
Classification: Likely pathogenic for FHL1-related disorders. Last evaluated: 2020-10-15. Review status: criteria provided, single submitter. Criteria: ACMG Guidelines, 2015. Collection method: clinical testing. Allele origin: germline. Affected: yes. Observed: 3 variant alleles.

Athena Diagnostics
Classification: Pathogenic. Last evaluated: 2019-03-05. Review status: criteria provided, single submitter. Criteria: Athena Diagnostics Criteria. Collection method: clinical testing. Allele origin: germline.
Comment: The variant results in a shift of the reading frame, and is therefore predicted to result in the loss of a functional protein. Found in at least one symptomatic patient, and not found in general population data.

Literature cited by the submitters: PubMed 23500067 (cited by Labcorp Genetics (formerly Invitae), Labcorp and Athena Diagnostics); PubMed 18179888 (cited by Labcorp Genetics (formerly Invitae), Labcorp); PubMed 19687455 (cited by Labcorp Genetics (formerly Invitae), Labcorp); PubMed 19716112 (cited by Labcorp Genetics (formerly Invitae), Labcorp); PubMed 22523091 (cited by Labcorp Genetics (formerly Invitae), Labcorp); PubMed 24114807 (cited by Labcorp Genetics (formerly Invitae), Labcorp).